The following is an entry in ClinVar:

NM_006361.6(HOXB13):c.208C>T (p.Pro70Ser)

Gene: HOXB13 (homeobox B13; minus strand). Cytogenetic location: 17q21.32.
Variant type: single nucleotide variant.
Coding change: c.208C>T on transcript NM_006361.6 (MANE Select); coding-DNA position 208, C replaced by T.
Protein change: p.Pro70Ser; replaces proline 70 with serine.
Molecular consequence: missense variant.
Genome position (GRCh38, 1-based): chr17:48,728,386, G>A on the plus strand (C>T on the coding strand, the complement: HOXB13 is on the minus strand). VCF-style: chr17-48728386-G-A. GRCh37 (hg19) VCF-style: chr17-46805748-G-A.
Other names: short protein forms P70S.
Identifiers: ClinVar variation 820693 (VCV000820693.18), dbSNP rs370934116, ClinGen allele CA291350763.

ClinVar aggregate classification (germline): Uncertain significance. Review status: criteria provided, multiple submitters, no conflicts (2 of 4 stars). 6 submissions from 6 submitters: Uncertain significance (6). Last evaluated 2025-12-03.

Conditions:
Hereditary cancer-predisposing syndrome. Also called: Neoplastic Syndromes, Hereditary; Tumor predisposition; Hereditary Cancer Syndrome; Hereditary neoplastic syndrome. Identifiers: Orphanet 140162, MedGen C0027672, MeSH D009386, MONDO:0015356.
Prostate cancer, hereditary, 9 (HPC9). Identifiers: Orphanet 1331, MedGen C1970250, MONDO:0012597, OMIM 610997.

gnomAD v4.1: 5 of 1,613,788 alleles (0.00031%); highest among the groups gnomAD compares: Non-Finnish European, 0.00017%; no homozygotes.

Submissions (6):

Labcorp Genetics (formerly Invitae), Labcorp
Classification: Uncertain significance. Last evaluated: 2025-12-03. Review status: criteria provided, single submitter. Criteria: Invitae Variant Classification Sherloc (09022015). Collection method: clinical testing. Allele origin: germline.
Comment: This sequence change replaces proline, which is neutral and non-polar, with serine, which is neutral and polar, at codon 70 of the HOXB13 protein (p.Pro70Ser). This variant is not present in population databases (gnomAD no frequency). This variant has not been reported in the literature in individuals affected with HOXB13-related conditions. ClinVar contains an entry for this variant (Variation ID: 820693). Invitae Evidence Modeling of protein sequence and biophysical properties (such as structural, functional, and spatial information, amino acid conservation, physicochemical variation, residue mobility, and thermodynamic stability) indicates that this missense variant is not expected to disrupt HOXB13 protein function with a negative predictive value of 80%. In summary, the available evidence is currently insufficient to determine the role of this variant in disease. Therefore, it has been classified as a Variant of Uncertain Significance.

Ambry Genetics
Classification: Uncertain significance for Hereditary cancer-predisposing syndrome. Last evaluated: 2025-11-04. Review status: criteria provided, single submitter. Criteria: Ambry Variant Classification Scheme 2023. Collection method: clinical testing. Allele origin: germline.
Comment: The p.P70S variant (also known as c.208C>T), located in coding exon 1 of the HOXB13 gene, results from a C to T substitution at nucleotide position 208. The proline at codon 70 is replaced by serine, an amino acid with similar properties. This amino acid position is well conserved in available vertebrate species. In addition, this alteration is predicted to be tolerated by in silico analysis. Since supporting evidence is limited at this time, the clinical significance of this alteration remains unclear.

Women's Health and Genetics/Laboratory Corporation of America, LabCorp
Classification: Uncertain significance. Last evaluated: 2025-10-10. Review status: criteria provided, single submitter. Criteria: LabCorp Variant Classification Summary - May 2015. Collection method: clinical testing. Allele origin: germline.

GeneDx
Classification: Uncertain significance. Last evaluated: 2024-03-13. Review status: criteria provided, single submitter. Criteria: GeneDx Variant Classification Process June 2021. Collection method: clinical testing. Allele origin: germline. Affected: yes.
Comment: Not observed at significant frequency in large population cohorts (gnomAD); In silico analysis supports that this missense variant does not alter protein structure/function; Has not been previously published as pathogenic or benign to our knowledge

Department of Pathology and Laboratory Medicine, Sinai Health System
Classification: Uncertain significance for Prostate cancer, hereditary, 9. Last evaluated: 2022-11-22. Review status: criteria provided, single submitter. Criteria: ACMG Guidelines, 2015. Collection method: clinical testing. Allele origin: germline. Affected: yes.

Quest Diagnostics Nichols Institute San Juan Capistrano
Classification: Uncertain significance. Last evaluated: 2022-10-04. Review status: criteria provided, single submitter. Criteria: Quest Diagnostics criteria. Collection method: clinical testing. Allele origin: unknown.
Comment: The variant has not been reported in the published literature. The frequency of this variant in the general population, 0.0000066 (1/152170 chromosomes), is uninformative in assessment of its pathogenicity. Analysis of this variant using bioinformatics tools for the prediction of the effect of amino acid changes on protein structure and function yielded conflicting predictions that this variant is benign or damaging. Based on the available information, we are unable to determine the clinical significance of this variant.